The following is an entry in ClinVar:

ClinVar aggregate classification (germline): Uncertain significance (1 of 4 stars; one submission).

Submission:

CeGaT Center for Human Genetics Tuebingen
Classification: Uncertain significance. Last evaluated: 2025-12-01. Review status: criteria provided, single submitter. Criteria: CeGaT Center For Human Genetics Tuebingen Variant Classification Criteria Version 2. Collection method: clinical testing. Allele origin: germline. Affected: yes. Observed: 1 variant allele.
Comment: TMEM63A: PM2, BP4

NM_014698.3(TMEM63A):c.523C>T (p.Pro175Ser)

Gene: TMEM63A (transmembrane protein 63A; minus strand). Cytogenetic location: 1q42.12.
Variant type: single nucleotide variant.
Coding change: c.523C>T on transcript NM_014698.3 (MANE Select); coding-DNA position 523, C replaced by T.
Protein change: p.Pro175Ser; replaces proline 175 with serine.
Molecular consequence: missense variant.
Genome position (GRCh38, 1-based): chr1:225,867,155, G>A on the plus strand (C>T on the coding strand, the complement: TMEM63A is on the minus strand). VCF-style: chr1-225867155-G-A. GRCh37 (hg19) VCF-style: chr1-226054855-G-A.
Other names: short protein forms P175S.
Identifiers: ClinVar variation 4681930 (VCV004681930.5).